The following is an entry in ClinVar:

NM_133433.4(NIPBL):c.7336C>A (p.Pro2446Thr)

Gene: NIPBL (NIPBL cohesin loading factor; plus strand). Cytogenetic location: 5p13.2.
Variant type: single nucleotide variant.
Coding change: c.7336C>A on transcript NM_133433.4 (MANE Select); coding-DNA position 7336, C replaced by A.
Protein change: p.Pro2446Thr; replaces proline 2446 with threonine.
Molecular consequence: missense variant.
Genome position (GRCh38, 1-based): chr5:37,057,258, C>A. VCF-style: chr5-37057258-C-A. GRCh37 (hg19) VCF-style: chr5-37057360-C-A.
Other names: c.7336C>A, p.Pro2446Thr (NM_001438586.1, NM_015384.5); short protein forms P2446T.
Identifiers: ClinVar variation 5041628 (VCV005041628.1).

ClinVar aggregate classification (germline): Uncertain significance (1 of 4 stars; one submission).

Submission:

CeGaT Center for Human Genetics Tuebingen
Classification: Uncertain significance. Last evaluated: 2026-09-01. Review status: criteria provided, single submitter. Criteria: CeGaT Center For Human Genetics Tuebingen Variant Classification Criteria Version 2. Collection method: clinical testing. Allele origin: germline. Affected: yes. Observed: 1 variant allele.
Comment: NIPBL: PM2, PP2, PP3